The following is an entry in ClinVar:

ClinVar aggregate classification (germline): Uncertain significance (1 of 4 stars; one submission).

Conditions:
Breast-ovarian cancer, familial, susceptibility to, 4. Identifiers: Orphanet 145, MedGen C3280345, MONDO:0013669, OMIM 614291.

Submission:

Labcorp Genetics (formerly Invitae), Labcorp
Classification: Uncertain significance for Breast-ovarian cancer, familial, susceptibility to, 4. Last evaluated: 2020-11-17. Review status: criteria provided, single submitter. Criteria: Invitae Variant Classification Sherloc (09022015). Collection method: clinical testing. Allele origin: germline.
Comment: In summary, the available evidence is currently insufficient to determine the role of this variant in disease. Therefore, it has been classified as a Variant of Uncertain Significance. This sequence change replaces isoleucine with valine at codon 25 of the RAD51D protein (p.Ile25Val). The isoleucine residue is moderately conserved and there is a small physicochemical difference between isoleucine and valine. This variant is not present in population databases (ExAC no frequency). This variant has not been reported in the literature in individuals with RAD51D-related conditions. Algorithms developed to predict the effect of missense changes on protein structure and function (SIFT, PolyPhen-2, Align-GVGD) all suggest that this variant is likely to be tolerated, but these predictions have not been confirmed by published functional studies and their clinical significance is uncertain.

NM_002878.4(RAD51D):c.73A>G (p.Ile25Val)

Genes: RAD51L3-RFFL (RAD51L3-RFFL readthrough; minus strand), RAD51D (RAD51 paralog D; minus strand). Cytogenetic location: 17q12.
Variant type: single nucleotide variant.
Coding change: c.73A>G on transcript NM_002878.4 (MANE Select); coding-DNA position 73, A replaced by G.
Protein change: p.Ile25Val; replaces isoleucine 25 with valine.
Molecular consequence: missense variant. On other transcripts: non-coding transcript variant (2).
Genome position (GRCh38, 1-based): chr17:35,119,541, T>C on the plus strand (A>G on the coding strand, the complement: RAD51D is on the minus strand). VCF-style: chr17-35119541-T-C. GRCh37 (hg19) VCF-style: chr17-33446560-T-C.
Other names: c.73A>G, p.Ile25Val (NM_001142571.2, NM_133629.3); short protein forms I25V.
Identifiers: ClinVar variation 1475970 (VCV001475970.8), dbSNP rs1597878522, ClinGen allele CA399092292.